The following is an entry in ClinVar:

ClinVar aggregate classification (germline): Uncertain significance (1 of 4 stars; one submission).

Conditions:
Emery-Dreifuss muscular dystrophy (EDMD). Also called: Scapuloperoneal syndrome, X-linked (formerly); Humeroperoneal neuromuscular disease, (formerly). Identifiers: Orphanet 261, MedGen C0410189, MONDO:0016830.

Submission:

Labcorp Genetics (formerly Invitae), Labcorp
Classification: Uncertain significance for Emery-Dreifuss muscular dystrophy. Last evaluated: 2024-10-08. Review status: criteria provided, single submitter. Criteria: Invitae Variant Classification Sherloc (09022015). Collection method: clinical testing. Allele origin: germline.
Comment: This sequence change replaces leucine, which is neutral and non-polar, with tryptophan, which is neutral and slightly polar, at codon 89 of the SUN2 protein (p.Leu89Trp). Information on the frequency of this variant in the gnomAD database is not available, as this variant may be reported differently in the database. This variant has not been reported in the literature in individuals affected with SUN2-related conditions. An algorithm developed to predict the effect of missense changes on protein structure and function (PolyPhen-2) suggests that this variant is likely to be disruptive. In summary, the available evidence is currently insufficient to determine the role of this variant in disease. Therefore, it has been classified as a Variant of Uncertain Significance.

NM_015374.3(SUN2):c.265_266delinsTG (p.Leu89Trp)

Gene: SUN2 (Sad1 and UNC84 domain containing 2; minus strand). Cytogenetic location: 22q13.1.
Variant type: Indel.
Coding change: c.265_266delinsTG on transcript NM_015374.3 (MANE Select); coding-DNA positions 265 to 266, CT replaced by TG.
Protein change: p.Leu89Trp; replaces leucine 89 with tryptophan.
Molecular consequence: missense variant. On other transcripts: intron variant (1).
Genome position (GRCh38, 1-based): chr22:38,751,230-38,751,231, AG replaced by CA on the plus strand (CT replaced by TG on the coding strand, the reverse complement: SUN2 is on the minus strand). VCF-style: chr22-38751230-AG-CA. GRCh37 (hg19) VCF-style: chr22-39147235-AG-CA.
Other names: c.265_266delinsTG, p.Leu89Trp (NM_001394445.1, NM_001394434.1, NM_001394435.1 and 16 more transcripts); c.122+1276_122+1277delinsTG (NM_001394443.1); c.175_176delinsTG, p.Leu59Trp (NM_001394438.1); short protein forms L59W, L89W.
Identifiers: ClinVar variation 3681329 (VCV003681329.2).
Genomic context (GRCh38, chr22:38,751,230, plus strand): 5'-CGAGGAAGCAAAGCCCCGGGACGGAGGGCTCCACACTCACCCCAGTTGGCGTCACCATGC[AG>CA]TTCCTCCAGGGAGCTCCTGGGTGGGAACCAGGACTCGTGGACCAGCGACTCACTGTAGTA-3'
Protein context (NP_056189.1, residues 79-99): WFPPRSSLEE[Leu89Trp]HGDANWGEDL